The following is an entry in ClinVar:

ClinVar aggregate classification (germline): Uncertain significance. Review status: criteria provided, multiple submitters, no conflicts (2 of 4 stars). 2 submissions from 2 submitters: Uncertain significance (2). Last evaluated 2025-12-16.

Allele frequency attached by ClinVar (database versions not stated): gnomAD 0.00005 and 0.00007; gnomAD exomes 0.00005 and 0.00014; ExAC 0.00008; ESP Exome Variant Server 0.00008; TOPMed 0.00008.

Submissions (2):

Labcorp Genetics (formerly Invitae), Labcorp
Classification: Uncertain significance. Last evaluated: 2025-12-16. Review status: criteria provided, single submitter. Criteria: Invitae Variant Classification Sherloc (09022015). Collection method: clinical testing. Allele origin: germline.
Comment: This sequence change replaces arginine, which is basic and polar, with glutamine, which is neutral and polar, at codon 211 of the RELB protein (p.Arg211Gln). This variant is present in population databases (rs55723886, gnomAD 0.02%). This variant has not been reported in the literature in individuals affected with RELB-related conditions. ClinVar contains an entry for this variant (Variation ID: 1446915). An algorithm developed to predict the effect of missense changes on protein structure and function (PolyPhen-2) suggests that this variant is likely to be disruptive. In summary, the available evidence is currently insufficient to determine the role of this variant in disease. Therefore, it has been classified as a Variant of Uncertain Significance.

Ambry Genetics
Classification: Uncertain significance. Last evaluated: 2023-12-14. Review status: criteria provided, single submitter. Criteria: Ambry Variant Classification Scheme 2023. Collection method: clinical testing. Allele origin: germline.

NM_006509.4(RELB):c.632G>A (p.Arg211Gln)

Gene: RELB (RELB proto-oncogene, NF-kB subunit; plus strand). Cytogenetic location: 19q13.32.
Variant type: single nucleotide variant.
Coding change: c.632G>A on transcript NM_006509.4 (MANE Select); coding-DNA position 632, G replaced by A.
Protein change: p.Arg211Gln; replaces arginine 211 with glutamine.
Molecular consequence: missense variant.
Genome position (GRCh38, 1-based): chr19:45,022,180, G>A. VCF-style: chr19-45022180-G-A. GRCh37 (hg19) VCF-style: chr19-45525438-G-A.
Other names: c.632G>A (NM_006509.3); short protein forms R211Q.
Identifiers: ClinVar variation 1446915 (VCV001446915.9), dbSNP rs55723886, ClinGen allele CA9507600.
Genomic context (GRCh38, chr19:45,022,180, plus strand): 5'-ACCGAGTCCACCCCCACAGCCTCGTGGGGAAAGACTGCACCGACGGCATCTGCAGGGTGC[G>A]GCTCCGGCCTCACGTCAGCCCCCGGCACAGGTACCCACCCCCTGACCTCCGACCTCTCAT-3'
Protein context (NP_006500.2, residues 201-221): KDCTDGICRV[Arg211Gln]LRPHVSPRHS